The following is an entry in ClinVar:

ClinVar aggregate classification (germline): Uncertain significance. Review status: criteria provided, multiple submitters, no conflicts (2 of 4 stars). 2 submissions from 2 submitters: Uncertain significance (2). Last evaluated 2025-12-20.

Conditions:
ABCB4-related disorder. Also called: ABCB4-related disorders; ABCB4-related condition.

gnomAD v4.1: 2 of 1,614,114 alleles (0.00012%); highest among the groups gnomAD compares: Non-Finnish European, 0.00017%; no homozygotes.

Submissions (2):

PreventionGenetics, part of Exact Sciences
Classification: Uncertain significance for ABCB4-related condition. Last evaluated: 2025-12-20. Review status: criteria provided, single submitter. Criteria: ACMG Guidelines, 2015. Collection method: clinical testing. Allele origin: germline.
Comment: The ABCB4 c.1646G>T variant is predicted to result in the amino acid substitution p.Arg549Leu. To our knowledge, this variant has not been reported in the literature. This variant is reported in 0.0018% of alleles in individuals of European (Non-Finnish) descent in gnomAD. A different substitution at the same codon (p.Arg549His) has been in the heterozygous state in 3 individuals with cholestasis (Poupon et al. 2013. PubMed ID: 23533021; Dröge et al. 2017. PubMed ID: 28733223, Table S3) and in an individual with intrahepatic cholestasis of pregnancy (Floreani et al. 2006. PubMed ID: 16696816). Additionally, a different nucleotide substitution affecting the same amino acid (p.Arg549Cys) has been reported in the compound heterozygous state in an individual with cholestasis (Hakim et al. 2019. PubMed ID: 31000363). At this time, the clinical significance of this variant is uncertain due to the absence of conclusive functional and genetic evidence.

Blueprint Genetics
Classification: Uncertain significance. Last evaluated: 2024-11-06. Review status: criteria provided, single submitter. Criteria: ACMG Guidelines, 2015. Collection method: clinical testing. Allele origin: germline.

NM_000443.4(ABCB4):c.1646G>T (p.Arg549Leu)

Gene: ABCB4 (ATP binding cassette subfamily B member 4; minus strand). Cytogenetic location: 7q21.12.
Variant type: single nucleotide variant.
Coding change: c.1646G>T on transcript NM_000443.4 (MANE Select); coding-DNA position 1646, G replaced by T.
Protein change: p.Arg549Leu; replaces arginine 549 with leucine.
Molecular consequence: missense variant.
Genome position (GRCh38, 1-based): chr7:87,439,752, C>A on the plus strand (G>T on the coding strand, the complement: ABCB4 is on the minus strand). VCF-style: chr7-87439752-C-A. GRCh37 (hg19) VCF-style: chr7-87069068-C-A.
Other names: c.1646G>T (NM_000443.3); c.1646G>T, p.Arg549Leu (NM_018849.3, NM_018850.3); short protein forms R549L.
Identifiers: ClinVar variation 4896500 (VCV004896500.2).